The following is an entry in ClinVar:

ClinVar aggregate classification (germline): Uncertain significance (1 of 4 stars; one submission).

Conditions:
Long QT syndrome (LQTS). Identifiers: MedGen C0023976, MeSH D008133, MONDO:0002442. Disease mechanism: loss of function. Inheritance: Various modes of inheritance.

Submission:

Labcorp Genetics (formerly Invitae), Labcorp
Classification: Uncertain significance for Long QT syndrome. Last evaluated: 2025-07-18. Review status: criteria provided, single submitter. Criteria: Invitae Variant Classification Sherloc (09022015). Collection method: clinical testing. Allele origin: germline.
Comment: This sequence change replaces threonine, which is neutral and polar, with lysine, which is basic and polar, at codon 96 of the KCNQ1 protein (p.Thr96Lys). This variant is not present in population databases (gnomAD no frequency). This variant has not been reported in the literature in individuals affected with KCNQ1-related conditions. Invitae Evidence Modeling of protein sequence and biophysical properties (such as structural, functional, and spatial information, amino acid conservation, physicochemical variation, residue mobility, and thermodynamic stability) has been performed for this missense variant. However, the output from this modeling did not meet the statistical confidence thresholds required to predict the impact of this variant on KCNQ1 protein function. In summary, the available evidence is currently insufficient to determine the role of this variant in disease. Therefore, it has been classified as a Variant of Uncertain Significance.

NM_000218.3(KCNQ1):c.287C>A (p.Thr96Lys)

Gene: KCNQ1 (potassium voltage-gated channel subfamily Q member 1; plus strand). Cytogenetic location: 11p15.5.
Variant type: single nucleotide variant.
Coding change: c.287C>A on transcript NM_000218.3 (MANE Select); coding-DNA position 287, C replaced by A.
Protein change: p.Thr96Lys; replaces threonine 96 with lysine.
Molecular consequence: missense variant. On other transcripts: 5 prime UTR variant (1).
Genome position (GRCh38, 1-based): chr11:2,445,385, C>A. VCF-style: chr11-2445385-C-A. GRCh37 (hg19) VCF-style: chr11-2466615-C-A.
Other names: c.287C>A, p.Thr96Lys (NM_001406836.1, NM_001406838.1); c.-76C>A (NM_001406837.1); short protein forms T96K.
Identifiers: ClinVar variation 4701133 (VCV004701133.1).